The following is an entry in ClinVar:

NM_001130082.3(PLXNB1):c.4774C>T (p.Pro1592Ser)

Gene: PLXNB1 (plexin B1; minus strand). Cytogenetic location: 3p21.31.
Variant type: single nucleotide variant.
Coding change: c.4774C>T on transcript NM_001130082.3 (MANE Select); coding-DNA position 4774, C replaced by T.
Protein change: p.Pro1592Ser; replaces proline 1592 with serine.
Molecular consequence: missense variant.
Genome position (GRCh38, 1-based): chr3:48,412,822, G>A on the plus strand (C>T on the coding strand, the complement: PLXNB1 is on the minus strand). VCF-style: chr3-48412822-G-A. GRCh37 (hg19) VCF-style: chr3-48454231-G-A.
Other names: c.4774C>T, p.Pro1592Ser (NM_002673.6); c.4774C>T (NM_002673.5); short protein forms P1592S.
Identifiers: ClinVar variation 3215603 (VCV003215603.2), dbSNP rs2037783641, ClinGen allele CA352624955.

ClinVar aggregate classification (germline): Uncertain significance. Review status: criteria provided, single submitter (1 of 4 stars). 2 submissions from 2 submitters: Uncertain significance (1). 1 of the submissions does not count toward it. Last evaluated 2023-11-13.

Conditions:
PLXNB1-related disorder. Also called: PLXNB1-related condition.

Allele frequency attached by ClinVar (database versions not stated): TOPMed below 0.00001.

Submissions (2):

Ambry Genetics
Classification: Uncertain significance. Last evaluated: 2023-11-13. Review status: criteria provided, single submitter. Criteria: Ambry Variant Classification Scheme 2023. Collection method: clinical testing. Allele origin: germline.

PreventionGenetics, part of Exact Sciences
Classification: Uncertain significance for PLXNB1-related condition. Last evaluated: 2024-05-09. Review status: no assertion criteria provided. Collection method: clinical testing. Allele origin: germline. Not counted in ClinVar's aggregate classification.
Comment: The PLXNB1 c.4774C>T variant is predicted to result in the amino acid substitution p.Pro1592Ser. To our knowledge, this variant has not been reported in the literature or in a large population database, indicating this variant is rare. At this time, the clinical significance of this variant is uncertain due to the absence of conclusive functional and genetic evidence.